The following is an entry in ClinVar:

ClinVar aggregate classification (germline): Conflicting classifications of pathogenicity. Review status: criteria provided, conflicting classifications (1 of 4 stars). 2 submissions from 2 submitters: Uncertain significance (1); Likely benign (1). Last evaluated 2025-06-17.

Conditions:
Inborn genetic diseases. Identifiers: MedGen C0950123, MeSH D030342.
Fanconi anemia complementation group E (FANCE). Also called: FANCE-Related Fanconi Anemia. Identifiers: Orphanet 84, MedGen C3160739, MONDO:0010953, OMIM 600901.

Allele frequency attached by ClinVar (database versions not stated): gnomAD exomes 0.00001; TOPMed 0.00002; ESP Exome Variant Server 0.00015; gnomAD 0.00003.

Submissions (2):

Labcorp Genetics (formerly Invitae), Labcorp
Classification: Uncertain significance for Fanconi anemia complementation group E. Last evaluated: 2025-06-17. Review status: criteria provided, single submitter. Criteria: Invitae Variant Classification Sherloc (09022015). Collection method: clinical testing. Allele origin: germline.
Comment: This sequence change replaces arginine, which is basic and polar, with glutamine, which is neutral and polar, at codon 141 of the FANCE protein (p.Arg141Gln). This variant is present in population databases (rs376243211, gnomAD 0.008%). This variant has not been reported in the literature in individuals affected with FANCE-related conditions. ClinVar contains an entry for this variant (Variation ID: 2227513). Invitae Evidence Modeling of protein sequence and biophysical properties (such as structural, functional, and spatial information, amino acid conservation, physicochemical variation, residue mobility, and thermodynamic stability) indicates that this missense variant is not expected to disrupt FANCE protein function with a negative predictive value of 80%. In summary, the available evidence is currently insufficient to determine the role of this variant in disease. Therefore, it has been classified as a Variant of Uncertain Significance.

Ambry Genetics
Classification: Likely benign for Inborn genetic diseases. Last evaluated: 2022-03-29. Review status: criteria provided, single submitter. Criteria: Ambry Variant Classification Scheme 2023. Collection method: clinical testing. Allele origin: germline.

NM_021922.3(FANCE):c.422G>A (p.Arg141Gln)

Gene: FANCE (FA complementation group E; plus strand). Cytogenetic location: 6p21.31.
Variant type: single nucleotide variant.
Coding change: c.422G>A on transcript NM_021922.3 (MANE Select); coding-DNA position 422, G replaced by A.
Protein change: p.Arg141Gln; replaces arginine 141 with glutamine.
Molecular consequence: missense variant.
Genome position (GRCh38, 1-based): chr6:35,455,920, G>A. VCF-style: chr6-35455920-G-A. GRCh37 (hg19) VCF-style: chr6-35423697-G-A.
Other names: c.422G>A, p.Arg141Gln (NM_001410876.1); short protein forms R141Q.
Identifiers: ClinVar variation 2227513 (VCV002227513.5), dbSNP rs376243211, ClinGen allele CA137294560.